The following is an entry in ClinVar:

NM_003632.3(CNTNAP1):c.1879C>T (p.Arg627Trp)

Gene: CNTNAP1 (contactin associated protein 1; plus strand). Cytogenetic location: 17q21.2.
Variant type: single nucleotide variant.
Coding change: c.1879C>T on transcript NM_003632.3 (MANE Select); coding-DNA position 1879, C replaced by T.
Protein change: p.Arg627Trp; replaces arginine 627 with tryptophan.
Molecular consequence: missense variant.
Genome position (GRCh38, 1-based): chr17:42,690,762, C>T. VCF-style: chr17-42690762-C-T. GRCh37 (hg19) VCF-style: chr17-40842780-C-T.
Other names: short protein forms R627W.
Identifiers: ClinVar variation 2420711 (VCV002420711.6), dbSNP rs1028647207, ClinGen allele CA290794830.

ClinVar aggregate classification (germline): Uncertain significance (1 of 4 stars; one submission).

Allele frequency attached by ClinVar (database versions not stated): gnomAD 0.00001; TOPMed 0.00001.
gnomAD v4.1: 22 of 1,614,000 alleles (0.0014%); highest among the groups gnomAD compares: South Asian, 0.0044%; no homozygotes.

Submission:

Labcorp Genetics (formerly Invitae), Labcorp
Classification: Uncertain significance. Last evaluated: 2025-11-10. Review status: criteria provided, single submitter. Criteria: Invitae Variant Classification Sherloc (09022015). Collection method: clinical testing. Allele origin: germline.
Comment: This sequence change replaces arginine, which is basic and polar, with tryptophan, which is neutral and slightly polar, at codon 627 of the CNTNAP1 protein (p.Arg627Trp). This variant is present in population databases (no rsID available, gnomAD 0.003%). This variant has not been reported in the literature in individuals affected with CNTNAP1-related conditions. ClinVar contains an entry for this variant (Variation ID: 2420711). An algorithm developed to predict the effect of missense changes on protein structure and function (PolyPhen-2) suggests that this variant is likely to be tolerated. In summary, the available evidence is currently insufficient to determine the role of this variant in disease. Therefore, it has been classified as a Variant of Uncertain Significance.